The following is an entry in ClinVar:

ClinVar aggregate classification (germline): Likely benign. Review status: criteria provided, single submitter (1 of 4 stars). 2 submissions from 2 submitters: Likely benign (1). 1 of the submissions does not count toward it. Last evaluated 2025-08-26.

Conditions:
WDR62-related disorder. Also called: WDR62-related condition.

gnomAD v4.1: 218 of 1,613,998 alleles (0.014%); highest among the groups gnomAD compares: Non-Finnish European, 0.017%; no homozygotes.

Submissions (2):

Labcorp Genetics (formerly Invitae), Labcorp
Classification: Likely benign. Last evaluated: 2025-08-26. Review status: criteria provided, single submitter. Criteria: Invitae Variant Classification Sherloc (09022015). Collection method: clinical testing. Allele origin: germline.

PreventionGenetics, part of Exact Sciences
Classification: Likely benign for WDR62-related condition. Last evaluated: 2020-08-26. Review status: no assertion criteria provided. Collection method: clinical testing. Allele origin: germline. Not counted in ClinVar's aggregate classification.
Comment: This variant is classified as likely benign based on ACMG/AMP sequence variant interpretation guidelines (Richards et al. 2015 PMID: 25741868, with internal and published modifications).

NM_001083961.2(WDR62):c.3162G>C (p.Pro1054=)

Gene: WDR62 (WD repeat domain 62; plus strand). Cytogenetic location: 19q13.12.
Variant type: single nucleotide variant.
Coding change: c.3162G>C on transcript NM_001083961.2 (MANE Select); coding-DNA position 3162, G replaced by C.
Protein change: p.Pro1054=; no amino-acid change (proline 1054 retained).
Molecular consequence: synonymous variant. On other transcripts: intron variant (1).
Genome position (GRCh38, 1-based): chr19:36,102,093, G>C. VCF-style: chr19-36102093-G-C. GRCh37 (hg19) VCF-style: chr19-36592995-G-C.
Other names: c.3147G>C, p.Pro1049= (NM_001411145.1); c.2811G>C, p.Pro937= (NM_001411147.1); c.3162G>C, p.Pro1054= (NM_173636.5); c.2972-644G>C (NM_001411146.1).
Identifiers: ClinVar variation 3036427 (VCV003036427.3), dbSNP rs200232641, ClinGen allele CA9396174.
Genomic context (GRCh38, chr19:36,102,093, plus strand): 5'-AGATGAGCTGTCCCTGCCCGAGGGACCCAGCGTCCCCAGCAGCTCCCTACCCCAGACTCC[G>C]GAGCAGGAGAAGTTCCTCCGCCACCACTTTGAGACACTGACTGAGTCCCCCTGCAGAGGT-3'
Protein context (NP_001077430.1, residues 1044-1064): SVPSSSLPQT[Pro1054=]EQEKFLRHHF